The following is an entry in ClinVar:

ClinVar aggregate classification (germline): Uncertain significance (1 of 4 stars; one submission).

gnomAD v4.1: 12 of 764,780 alleles (0.0016%); highest among the groups gnomAD compares: Non-Finnish European, 0.0026%; no homozygotes.

Submission:

Labcorp Genetics (formerly Invitae), Labcorp
Classification: Uncertain significance. Last evaluated: 2023-07-03. Review status: criteria provided, single submitter. Criteria: Invitae Variant Classification Sherloc (09022015). Collection method: clinical testing. Allele origin: germline.
Comment: This variant occurs in the SNORD118 gene, which encodes an RNA molecule that does not result in a protein product. This variant is present in population databases (rs763930415, gnomAD 0.002%). This variant has not been reported in the literature in individuals affected with SNORD118-related conditions. ClinVar contains an entry for this variant (Variation ID: 1916156). Experimental studies and prediction algorithms are not available or were not evaluated, and the functional significance of this variant is currently unknown. In summary, the available evidence is currently insufficient to determine the role of this variant in disease. Therefore, it has been classified as a Variant of Uncertain Significance.

NR_033294.2(SNORD118):n.15T>G

Genes: SNORD118 (small nucleolar RNA, C/D box 118; minus strand), TMEM107 (transmembrane protein 107; minus strand). Cytogenetic location: 17p13.1.
Variant type: single nucleotide variant.
Molecular consequence: non-coding transcript variant (on NR_033294.2). On other transcripts: 3 prime UTR variant (5).
Genome position: GRCh38 VCF-style: chr17-8173574-A-C. GRCh37 (hg19) VCF-style: chr17-8076892-A-C.
Other names: c.*629T>G (NM_001351278.2, NM_001351279.2, NM_001351280.2 and 2 more transcripts).
Identifiers: ClinVar variation 1916156 (VCV001916156.5), dbSNP rs763930415, ClinGen allele CA287524673.